The following is an entry in ClinVar:

NM_017950.4(CCDC40):c.868_869insC (p.Arg290fs)

Gene: CCDC40 (coiled-coil domain 40 molecular ruler complex subunit; plus strand). Cytogenetic location: 17q25.3.
Variant type: Insertion.
Coding change: c.868_869insC on transcript NM_017950.4 (MANE Select); coding-DNA positions 868 to 869, C inserted.
Protein change: p.Arg290fs; shifts the reading frame from arginine 290.
Molecular consequence: frameshift variant.
Genome position: GRCh38 VCF-style: chr17-80049918-A-AC. GRCh37 (hg19) VCF-style: chr17-78023717-A-AC.
Other names: c.868_869insC, p.Arg290fs (NM_001243342.2, NM_001330508.2); short protein forms R290fs.
Identifiers: ClinVar variation 5005847 (VCV005005847.2).

ClinVar aggregate classification (germline): Likely pathogenic (1 of 4 stars; one submission).

Conditions:
Primary ciliary dyskinesia 15. Also called: CILIARY DYSKINESIA, PRIMARY, 15, WITH OR WITHOUT SITUS INVERSUS. Identifiers: Orphanet 244, MedGen C3151137, MONDO:0013435, OMIM 613808.

Submission:

Juno Genomics, Hangzhou Juno Genomics, Inc
Classification: Likely pathogenic for Primary ciliary dyskinesia 15. Review status: criteria provided, single submitter. Criteria: ACMG Guidelines, 2015. Collection method: clinical testing. Allele origin: germline.
Comment: Null variant in a gene where loss of function (LOF) is a known mechanism of disease.;Absent from controls (or at extremely low frequency if recessive) in Genome Aggregation Database.